The following is an entry in ClinVar:

NM_130466.4(UBE3B):c.853C>T (p.Arg285Cys)

Gene: UBE3B (ubiquitin protein ligase E3B; plus strand). Cytogenetic location: 12q24.11.
Variant type: single nucleotide variant.
Coding change: c.853C>T on transcript NM_130466.4 (MANE Select); coding-DNA position 853, C replaced by T.
Protein change: p.Arg285Cys; replaces arginine 285 with cysteine.
Molecular consequence: missense variant.
Genome position (GRCh38, 1-based): chr12:109,498,266, C>T. VCF-style: chr12-109498266-C-T. GRCh37 (hg19) VCF-style: chr12-109936071-C-T.
Other names: c.853C>T, p.Arg285Cys (NM_183415.3); short protein forms R285C.
Identifiers: ClinVar variation 1803689 (VCV001803689.1), dbSNP rs774395024, ClinGen allele CA6777725.

ClinVar aggregate classification (germline): Uncertain significance (1 of 4 stars; one submission).

Allele frequency attached by ClinVar (database versions not stated): gnomAD 0.00001; gnomAD exomes 0.00001; ExAC 0.00002; TOPMed 0.00002.
gnomAD v4.1: 7 of 1,613,936 alleles (0.00043%); highest among the groups gnomAD compares: African/African-American, 0.0027%; no homozygotes.

Submission:

GeneDx
Classification: Uncertain significance. Last evaluated: 2022-12-08. Review status: criteria provided, single submitter. Criteria: GeneDx Variant Classification Process June 2021. Collection method: clinical testing. Allele origin: germline. Affected: yes.
Comment: In silico analysis supports that this missense variant has a deleterious effect on protein structure/function; Has not been previously published as pathogenic or benign to our knowledge